The following is an entry in ClinVar:

NM_002292.4(LAMB2):c.3071C>T (p.Pro1024Leu)

Gene: LAMB2 (laminin subunit beta 2; minus strand). Cytogenetic location: 3p21.31.
Variant type: single nucleotide variant.
Coding change: c.3071C>T on transcript NM_002292.4 (MANE Select); coding-DNA position 3071, C replaced by T.
Protein change: p.Pro1024Leu; replaces proline 1024 with leucine.
Molecular consequence: missense variant.
Genome position (GRCh38, 1-based): chr3:49,124,739, G>A on the plus strand (C>T on the coding strand, the complement: LAMB2 is on the minus strand). VCF-style: chr3-49124739-G-A. GRCh37 (hg19) VCF-style: chr3-49162172-G-A.
Other names: short protein forms P1024L.
Identifiers: ClinVar variation 345992 (VCV000345992.15), dbSNP rs368506627, ClinGen allele CA2394132.

ClinVar aggregate classification (germline): Benign/Likely benign. Review status: criteria provided, multiple submitters, no conflicts (2 of 4 stars). 6 submissions from 5 submitters: Benign (2); Likely benign (4). Last evaluated 2026-08-01.

Conditions:
LAMB2-related infantile-onset nephrotic syndrome. Also called: NEPHROTIC SYNDROME, TYPE 5, WITHOUT OCULAR ABNORMALITIES; NEPHROTIC SYNDROME, TYPE 5, WITH OCULAR ABNORMALITIES; Nephrotic Syndrome, type 5. Identifiers: Orphanet 306507, MedGen C3280113, MONDO:0013621, OMIM 614199.
Pierson syndrome. Also called: MICROCORIA-CONGENITAL NEPHROTIC SYNDROME. Identifiers: Orphanet 2670, MedGen C1836876, MONDO:0012184, OMIM 609049.

Allele frequency attached by ClinVar (database versions not stated): gnomAD 0.00001 and 0.00030; TOPMed 0.00007; gnomAD exomes 0.00058 and 0.00120; ExAC 0.00139; 1000 Genomes Project 30x 0.00297; 1000 Genomes Project 0.00319.
gnomAD v4.1: 898 of 1,614,242 alleles (0.056%); highest among the groups gnomAD compares: South Asian, 0.94%; 7 homozygotes.

Submissions (6):

CeGaT Center for Human Genetics Tuebingen
Classification: Likely benign. Last evaluated: 2026-08-01. Review status: criteria provided, single submitter. Criteria: CeGaT Center For Human Genetics Tuebingen Variant Classification Criteria Version 2. Collection method: clinical testing. Allele origin: germline. Affected: yes. Observed: 1 variant allele.
Comment: LAMB2: BP4, BS2

Labcorp Genetics (formerly Invitae), Labcorp
Classification: Benign for LAMB2-related infantile-onset nephrotic syndrome; Pierson syndrome. Last evaluated: 2025-11-19. Review status: criteria provided, single submitter. Criteria: Invitae Variant Classification Sherloc (09022015). Collection method: clinical testing. Allele origin: germline.

Blueprint Genetics
Classification: Likely benign. Last evaluated: 2024-08-17. Review status: criteria provided, single submitter. Criteria: ACMG Guidelines, 2015. Collection method: clinical testing. Allele origin: germline.

Dubai Health Genomic Medicine Center, Dubai Health
Classification: Benign. Last evaluated: 2020-01-06. Review status: criteria provided, single submitter. Criteria: ACMG Guidelines, 2015. Collection method: clinical testing. Allele origin: germline. Affected: yes.

Illumina Laboratory Services, Illumina
Classification: Likely benign for Pierson syndrome. Last evaluated: 2018-01-12. Review status: criteria provided, single submitter. Criteria: ICSL Variant Classification Criteria 13 December 2019. Collection method: clinical testing. Allele origin: germline.
Comment: This variant was observed in the ICSL laboratory as part of a predisposition screen in an ostensibly healthy population. It had not been previously curated by ICSL or reported in the Human Gene Mutation Database (HGMD: prior to June 1st, 2018), and was therefore a candidate for classification through an automated scoring system. Utilizing variant allele frequency, disease prevalence and penetrance estimates, and inheritance mode, an automated score was calculated to assess if this variant is too frequent to cause the disease. Based on the score and internal cut-off values, a variant classified as likely benign is not then subjected to further curation. The score for this variant resulted in a classification of likely benign for this disease.

Illumina Laboratory Services, Illumina
Classification: Likely benign for LAMB2-related infantile-onset nephrotic syndrome. Last evaluated: 2018-01-12. Review status: criteria provided, single submitter. Criteria: ICSL Variant Classification Criteria 13 December 2019. Collection method: clinical testing. Allele origin: germline.
Comment: the same text as in the submission from Illumina Laboratory Services, Illumina above.